The following is an entry in ClinVar:

NM_014159.7(SETD2):c.5721G>T (p.Glu1907Asp)

Gene: SETD2 (SET domain containing 2, histone lysine methyltransferase; minus strand). Cytogenetic location: 3p21.31.
Variant type: single nucleotide variant.
Coding change: c.5721G>T on transcript NM_014159.7 (MANE Select); coding-DNA position 5721, G replaced by T.
Protein change: p.Glu1907Asp; replaces glutamic acid 1907 with aspartic acid.
Molecular consequence: missense variant. On other transcripts: non-coding transcript variant (1).
Genome position (GRCh38, 1-based): chr3:47,084,059, C>A on the plus strand (G>T on the coding strand, the complement: SETD2 is on the minus strand). VCF-style: chr3-47084059-C-A. GRCh37 (hg19) VCF-style: chr3-47125549-C-A.
Other names: c.5589G>T, p.Glu1863Asp (NM_001349370.3); short protein forms E1863D, E1907D.
Identifiers: ClinVar variation 3360529 (VCV003360529.1).

ClinVar aggregate classification (germline): Uncertain significance (1 of 4 stars; one submission).

gnomAD v4.1: 1 of 1,614,206 alleles (0.000062%); highest among the groups gnomAD compares: Non-Finnish European, 0.000085%; no homozygotes.

Submission:

GeneDx
Classification: Uncertain significance. Last evaluated: 2023-07-06. Review status: criteria provided, single submitter. Criteria: GeneDx Variant Classification Process June 2021. Collection method: clinical testing. Allele origin: germline. Affected: yes.
Comment: Not observed at significant frequency in large population cohorts (gnomAD); In silico analysis supports that this missense variant does not alter protein structure/function; Has not been previously published as pathogenic or benign to our knowledge